The following is an entry in ClinVar:

NM_006445.4(PRPF8):c.4639G>A (p.Val1547Ile)

Gene: PRPF8 (pre-mRNA processing factor 8; minus strand). Cytogenetic location: 17p13.3.
Variant type: single nucleotide variant.
Coding change: c.4639G>A on transcript NM_006445.4 (MANE Select); coding-DNA position 4639, G replaced by A.
Protein change: p.Val1547Ile; replaces valine 1547 with isoleucine.
Molecular consequence: missense variant.
Genome position (GRCh38, 1-based): chr17:1,660,578, C>T on the plus strand (G>A on the coding strand, the complement: PRPF8 is on the minus strand). VCF-style: chr17-1660578-C-T. GRCh37 (hg19) VCF-style: chr17-1563872-C-T.
Other names: short protein forms V1547I.
Identifiers: ClinVar variation 4993242 (VCV004993242.1).

ClinVar aggregate classification (germline): Uncertain significance (1 of 4 stars; one submission).

Conditions:
PRPF8-related disorder. Also called: PRPF8-related condition.

Submission:

PreventionGenetics, part of Exact Sciences
Classification: Uncertain significance for PRPF8-related condition. Last evaluated: 2026-08-19. Review status: criteria provided, single submitter. Criteria: ACMG Guidelines, 2015. Collection method: clinical testing. Allele origin: germline.
Comment: The PRPF8 c.4639G>A variant is predicted to result in the amino acid substitution p.Val1547Ile. To our knowledge, this variant has not been reported in the literature or in a large population database (gnomAD), indicating this variant is rare. At this time, the clinical significance of this variant is uncertain due to the absence of conclusive functional and genetic evidence.